The following is an entry in ClinVar:

NM_053025.4(MYLK):c.3726G>C (p.Gln1242His)

Gene: MYLK (myosin light chain kinase; minus strand). Cytogenetic location: 3q21.1.
Variant type: single nucleotide variant.
Coding change: c.3726G>C on transcript NM_053025.4 (MANE Select); coding-DNA position 3726, G replaced by C.
Protein change: p.Gln1242His; replaces glutamine 1242 with histidine.
Molecular consequence: missense variant.
Genome position (GRCh38, 1-based): chr3:123,666,324, C>G on the plus strand (G>C on the coding strand, the complement: MYLK is on the minus strand). VCF-style: chr3-123666324-C-G. GRCh37 (hg19) VCF-style: chr3-123385171-C-G.
Other names: c.3198G>C, p.Gln1066His (NM_001321309.2); c.3519G>C, p.Gln1173His (NM_053026.4, NM_053028.4); c.3726G>C, p.Gln1242His (NM_053027.4); short protein forms Q1242H, Q1173H, Q1066H.
Identifiers: ClinVar variation 917650 (VCV000917650.1), dbSNP rs2059732665, ClinGen allele CA354230640.

ClinVar aggregate classification (germline): Uncertain significance (1 of 4 stars; one submission).

Submission:

Women's Health and Genetics/Laboratory Corporation of America, LabCorp
Classification: Uncertain significance. Last evaluated: 2020-01-13. Review status: criteria provided, single submitter. Criteria: LabCorp Variant Classification Summary - May 2015. Collection method: clinical testing. Allele origin: germline.
Comment: Variant summary: MYLK c.3726G>C (p.Gln1242His) results in a non-conservative amino acid change located in the Immunoglobulin-like domain of the encoded protein sequence. Three of five in-silico tools predict a benign effect of the variant on protein function. The variant was absent in 251428 control chromosomes (gnomAD). The available data on variant occurrences in the general population are insufficient to allow any conclusion about variant significance. To our knowledge, no occurrence of c.3726G>C in individuals affected with Aortopathy and no experimental evidence demonstrating an impact on protein function have been reported. No clinical diagnostic laboratories have submitted clinical-significance assessments for this variant to ClinVar after 2014. Based on the evidence outlined above, the variant was classified as uncertain significance.